The following is an entry in ClinVar:

ClinVar aggregate classification (germline): Uncertain significance (1 of 4 stars; one submission).

Allele frequency attached by ClinVar (database versions not stated): gnomAD 0.00001; gnomAD exomes 0.00001; TOPMed 0.00001.
gnomAD v4.1: 8 of 1,558,368 alleles (0.00051%); highest among the groups gnomAD compares: Admixed American, 0.0035%; no homozygotes.

Submission:

Labcorp Genetics (formerly Invitae), Labcorp
Classification: Uncertain significance. Last evaluated: 2022-08-11. Review status: criteria provided, single submitter. Criteria: Invitae Variant Classification Sherloc (09022015). Collection method: clinical testing. Allele origin: germline.
Comment: This sequence change replaces asparagine, which is neutral and polar, with serine, which is neutral and polar, at codon 82 of the RNASET2 protein (p.Asn82Ser). This variant is present in population databases (no rsID available, gnomAD 0.006%). This variant has not been reported in the literature in individuals affected with RNASET2-related conditions. Algorithms developed to predict the effect of missense changes on protein structure and function are either unavailable or do not agree on the potential impact of this missense change (SIFT: "Tolerated"; PolyPhen-2: "Possibly Damaging"; Align-GVGD: "Class C0"). In summary, the available evidence is currently insufficient to determine the role of this variant in disease. Therefore, it has been classified as a Variant of Uncertain Significance.

NM_003730.6(RNASET2):c.245A>G (p.Asn82Ser)

Gene: RNASET2 (ribonuclease T2; minus strand). Cytogenetic location: 6q27.
Variant type: single nucleotide variant.
Coding change: c.245A>G on transcript NM_003730.6 (MANE Select); coding-DNA position 245, A replaced by G.
Protein change: p.Asn82Ser; replaces asparagine 82 with serine.
Molecular consequence: missense variant.
Genome position (GRCh38, 1-based): chr6:166,946,698, T>C on the plus strand (A>G on the coding strand, the complement: RNASET2 is on the minus strand). VCF-style: chr6-166946698-T-C. GRCh37 (hg19) VCF-style: chr6-167360186-T-C.
Other names: short protein forms N82S.
Identifiers: ClinVar variation 2140712 (VCV002140712.1), dbSNP rs1441873284, ClinGen allele CA366407817.